The following is an entry in ClinVar:

NM_000132.4(F8):c.1175C>T (p.Ser392Leu)

Gene: F8 (coagulation factor VIII; minus strand). Cytogenetic location: Xq28.
Variant type: single nucleotide variant.
Coding change: c.1175C>T on transcript NM_000132.4 (MANE Select); coding-DNA position 1175, C replaced by T.
Protein change: p.Ser392Leu; replaces serine 392 with leucine.
Molecular consequence: missense variant.
Genome position (GRCh38, 1-based): chrX:154,966,522, G>A on the plus strand (C>T on the coding strand, the complement: F8 is on the minus strand). VCF-style: chrX-154966522-G-A. GRCh37 (hg19) VCF-style: chrX-154194797-G-A.
Other names: F8, SER373LEU; S373L; short protein forms S392L.
Identifiers: ClinVar variation 10205 (VCV000010205.4), dbSNP rs28933668, ClinGen allele CA255095.

ClinVar aggregate classification (germline): Likely pathogenic. Review status: criteria provided, single submitter (1 of 4 stars). 2 submissions from 2 submitters: Likely pathogenic (1). 1 of the submissions does not count toward it. Last evaluated 2022-04-14.

Conditions:
Hereditary factor VIII deficiency disease (HEMA). Also called: HEMOPHILIA, CLASSIC; Hemophilia A; Hemophilia A, congenital; HEM A; Factor 8 deficiency, congenital; AUTOSOMAL HEMOPHILIA A. Identifiers: Orphanet 98878, MedGen C0019069, MONDO:0010602, OMIM 306700.

Submissions (2):

ARUP Laboratories, Molecular Genetics and Genomics, ARUP Laboratories
Classification: Likely pathogenic. Last evaluated: 2022-04-14. Review status: criteria provided, single submitter. Criteria: ARUP Molecular Germline Variant Investigation Process 2021. Collection method: clinical testing. Allele origin: germline.
Comment: The F8 c.1175C>T; p.Ser392Leu variant (rs28933668), also known as p.Ser373Leu, is reported in the literature in multiple individuals affected with mild to moderate hemophilia A (see F8 database and references therein). Functional analyses demonstrate that individuals with this variant have factor VIII activity between 8-9% (F8 database). This variant is also reported in ClinVar (Variation ID: 10205) and is absent from the Genome Aggregation Database, indicating it is not a common polymorphism. Additionally, another variant at this codon (c.1174T>C, p.Ser392Pro) has been reported in individuals with mild hemophilia A and is considered pathogenic (Schwaab 1997). The serine at codon 392 is highly conserved, and computational analyses predict that this variant is deleterious (REVEL: 0.82). Based on available information, this variant is considered to be likely pathogenic. References: Link to F8 database: Schwaab R et al. Factor VIII gene mutations found by a comparative study of SSCP, DGGE and CMC and their analysis on a molecular model of factor VIII protein. Hum Genet. 1997 Dec;101(3):323-32. PMID: 9439662.

OMIM
Classification: Pathogenic for HEMOPHILIA A. Last evaluated: 1993-04-01. Review status: no assertion criteria provided. Collection method: literature only. Allele origin: germline. Not counted in ClinVar's aggregate classification.

Literature cited by the submitters: PubMed 8497853 (cited by OMIM).